The following is an entry in ClinVar:

NM_018010.4(IFT57):c.713A>C (p.Glu238Ala)

Gene: IFT57 (intraflagellar transport 57; minus strand). Cytogenetic location: 3q13.12.
Variant type: single nucleotide variant.
Coding change: c.713A>C on transcript NM_018010.4 (MANE Select); coding-DNA position 713, A replaced by C.
Protein change: p.Glu238Ala; replaces glutamic acid 238 with alanine.
Molecular consequence: missense variant.
Genome position (GRCh38, 1-based): chr3:108,191,585, T>G on the plus strand (A>C on the coding strand, the complement: IFT57 is on the minus strand). VCF-style: chr3-108191585-T-G. GRCh37 (hg19) VCF-style: chr3-107910432-T-G.
Other names: short protein forms E238A.
Identifiers: ClinVar variation 2800056 (VCV002800056.3), dbSNP rs2472488281, ClinGen allele CA353906521.

ClinVar aggregate classification (germline): Uncertain significance (1 of 4 stars; one submission).

gnomAD v4.1: 7 of 1,609,836 alleles (0.00043%); highest among the groups gnomAD compares: Non-Finnish European, 0.00051%; no homozygotes.

Submission:

Labcorp Genetics (formerly Invitae), Labcorp
Classification: Uncertain significance. Last evaluated: 2022-12-21. Review status: criteria provided, single submitter. Criteria: Invitae Variant Classification Sherloc (09022015). Collection method: clinical testing. Allele origin: germline.
Comment: This sequence change replaces glutamic acid, which is acidic and polar, with alanine, which is neutral and non-polar, at codon 238 of the IFT57 protein (p.Glu238Ala). This variant is not present in population databases (gnomAD no frequency). This variant has not been reported in the literature in individuals affected with IFT57-related conditions. Algorithms developed to predict the effect of missense changes on protein structure and function are either unavailable or do not agree on the potential impact of this missense change (SIFT: "Tolerated"; PolyPhen-2: "Possibly Damaging"; Align-GVGD: "Class C0"). In summary, the available evidence is currently insufficient to determine the role of this variant in disease. Therefore, it has been classified as a Variant of Uncertain Significance.